The following is an entry in ClinVar:

ClinVar aggregate classification (germline): Uncertain significance (1 of 4 stars; one submission).

Conditions:
Inborn genetic diseases. Identifiers: MedGen C0950123, MeSH D030342.

Submission:

Ambry Genetics
Classification: Uncertain significance for Inborn genetic diseases. Last evaluated: 2026-08-11. Review status: criteria provided, single submitter. Criteria: Ambry Variant Classification Scheme 2023. Collection method: clinical testing. Allele origin: germline.
Comment: The p.A7S variant (also known as c.19G>T), located in coding exon 1 of the KDM1A gene, results from a G to T substitution at nucleotide position 19. The alanine at codon 7 is replaced by serine, an amino acid with similar properties. This amino acid position is conserved. In addition, this alteration is predicted to be tolerated by in silico analysis. Based on the available evidence, the clinical significance of this variant remains unclear.

NM_001009999.3(KDM1A):c.19G>T (p.Ala7Ser)

Gene: KDM1A (lysine demethylase 1A; plus strand). Cytogenetic location: 1p36.12.
Variant type: single nucleotide variant.
Coding change: c.19G>T on transcript NM_001009999.3 (MANE Select); coding-DNA position 19, G replaced by T.
Protein change: p.Ala7Ser; replaces alanine 7 with serine.
Molecular consequence: missense variant.
Genome position (GRCh38, 1-based): chr1:23,019,615, G>T. VCF-style: chr1-23019615-G-T. GRCh37 (hg19) VCF-style: chr1-23346108-G-T.
Other names: c.19G>T, p.Ala7Ser (NM_001363654.2, NM_001410762.1, NM_001410763.1 and 1 more transcripts); short protein forms A7S.
Identifiers: ClinVar variation 5023089 (VCV005023089.1).